The following is an entry in ClinVar:

NM_182931.3(KMT2E):c.896A>T (p.Glu299Val)

Gene: KMT2E (lysine methyltransferase 2E (inactive); plus strand). Cytogenetic location: 7q22.3.
Variant type: single nucleotide variant.
Coding change: c.896A>T on transcript NM_182931.3 (MANE Select); coding-DNA position 896, A replaced by T.
Protein change: p.Glu299Val; replaces glutamic acid 299 with valine.
Molecular consequence: missense variant.
Genome position (GRCh38, 1-based): chr7:105,077,090, A>T. VCF-style: chr7-105077090-A-T. GRCh37 (hg19) VCF-style: chr7-104717537-A-T.
Other names: c.896A>T, p.Glu299Val (NM_018682.4); short protein forms E299V.
Identifiers: ClinVar variation 1077149 (VCV001077149.4), dbSNP rs1797560918, ClinGen allele CA368777695.
Genomic context (GRCh38, chr7:105,077,090, plus strand): 5'-CATGGATGGATCGATATGAAGAAGCAAATAACAACCAGTACAGTGAGGGTGTTCAGAGGG[A>T]GGCACAAAGAATAGCTCTGAGATTAGGCAATGGAAATGACAAAAAAGAGATGAATAAATC-3'
Protein context (NP_891847.1, residues 289-309): NNQYSEGVQR[Glu299Val]AQRIALRLGN

ClinVar aggregate classification (germline): Uncertain significance. Review status: criteria provided, multiple submitters, no conflicts (2 of 4 stars). 2 submissions from 2 submitters: Uncertain significance (2). Last evaluated 2023-11-15.

Conditions:
Abnormal cerebellar vermis morphology. Also called: Abnormality of the cerebellar vermis. Identifiers: MedGen C4025712, HP:0002334.

Submissions (2):

Labcorp Genetics (formerly Invitae), Labcorp
Classification: Uncertain significance. Last evaluated: 2023-11-15. Review status: criteria provided, single submitter. Criteria: Invitae Variant Classification Sherloc (09022015). Collection method: clinical testing. Allele origin: germline.
Comment: This sequence change replaces glutamic acid, which is acidic and polar, with valine, which is neutral and non-polar, at codon 299 of the KMT2E protein (p.Glu299Val). This variant is not present in population databases (gnomAD no frequency). This missense change has been observed in individual(s) with clinical features of KMT2E-related conditions (PMID: 35229910). ClinVar contains an entry for this variant (Variation ID: 1077149). Advanced modeling of protein sequence and biophysical properties (such as structural, functional, and spatial information, amino acid conservation, physicochemical variation, residue mobility, and thermodynamic stability) performed at Invitae indicates that this missense variant is not expected to disrupt KMT2E protein function with a negative predictive value of 80%. In summary, the available evidence is currently insufficient to determine the role of this variant in disease. Therefore, it has been classified as a Variant of Uncertain Significance.

Genetics Institute, Tel Aviv Sourasky Medical Center
Classification: Uncertain significance for Abnormal cerebellar vermis morphology. Last evaluated: 2021-05-12. Review status: criteria provided, single submitter. Criteria: ACMG Guidelines, 2015. Collection method: clinical testing. Allele origin: inherited. Inheritance: Autosomal dominant inheritance.

Literature cited by the submitters: PubMed 35229910 (cited by Labcorp Genetics (formerly Invitae), Labcorp).